The following is an entry in ClinVar:

ClinVar aggregate classification (germline): Likely pathogenic (1 of 4 stars; one submission).

Conditions:
Dilated cardiomyopathy 1G (CMD1G). Identifiers: Orphanet 154, MedGen C1858763, MONDO:0011400, OMIM 604145.
Autosomal recessive limb-girdle muscular dystrophy type 2J (LGMDR10). Also called: Limb-girdle muscular dystrophy, type 2J; MUSCULAR DYSTROPHY, LIMB-GIRDLE, AUTOSOMAL RECESSIVE 10. Identifiers: Orphanet 140922, MedGen C1837342, MONDO:0012127, OMIM 608807.

Submission:

Labcorp Genetics (formerly Invitae), Labcorp
Classification: Likely pathogenic for Dilated cardiomyopathy 1G; Autosomal recessive limb-girdle muscular dystrophy type 2J. Last evaluated: 2020-04-01. Review status: criteria provided, single submitter. Criteria: Invitae Variant Classification Sherloc (09022015). Collection method: clinical testing. Allele origin: germline.
Comment: This sequence change results in a premature translational stop signal in the TTN gene (p.Ala35581Glnfs*36). While this is not anticipated to result in nonsense mediated decay, it is expected to create a truncated TTN protein. This variant is not present in population databases (ExAC no frequency). This variant has not been reported in the literature in individuals with TTN-related conditions. This variant is located in the M band of TTN (PMID: 25589632). Truncating variants in this region have been previously reported in individuals affected with autosomal recessive myopathy and muscular dystrophy (PMID: 18948003, 23975875, 24395473), but have not been definitively shown to cause cardiomyopathy (PMID: 25589632). In summary, the currently available evidence indicates that the variant is pathogenic, but additional data are needed to prove that conclusively. Therefore, this variant has been classified as Likely Pathogenic.

Literature cited by the submitters: PubMed 25589632; PubMed 18948003; PubMed 23975875; PubMed 24395473.

NM_001267550.2(TTN):c.106740del (p.Ala35581fs)

Genes: TTN (titin; minus strand), TTN-AS1 (TTN antisense RNA 1; plus strand). Cytogenetic location: 2q31.2.
Variant type: Deletion.
Coding change: c.106740del on transcript NM_001267550.2 (MANE Select); coding-DNA position 106740, one base deleted (A; older notation c.106740delA).
Protein change: p.Ala35581fs; shifts the reading frame from alanine 35581.
Molecular consequence: frameshift variant.
Genome position (GRCh38, 1-based): chr2:178,529,011, T deleted on the plus strand (A on the coding strand, the reverse complement: TTN is on the minus strand). VCF-style (leftmost placement, unchanged base first): chr2-178529010-CT-C. GRCh37 (hg19) VCF-style: chr2-179393737-CT-C.
Other names: c.101817del, p.Ala33940fs (NM_001256850.1); c.79545del, p.Ala26516fs (NM_003319.4); c.99036del, p.Ala33013fs (NM_133378.4); c.79920del, p.Ala26641fs (NM_133432.3); c.80121del, p.Ala26708fs (NM_133437.4); short protein forms A26516fs, A26641fs, A26708fs, A33013fs, A33940fs, A35581fs.
Identifiers: ClinVar variation 1067782 (VCV001067782.9), dbSNP rs2154131505, ClinGen allele CA2499215270.
Genomic context (GRCh38, chr2:178,529,010, plus strand): 5'-CTGATGCCTGTGATGTTTTAGTGATTTCCTCATGGACAATGGATTTTTCCAGGGAGGTTG[CT>C]GCTGATTTCTTGACTTCTTCAGAAATCAGAACCTTTGAAGCTTCCTCTTTGAGGGCTAAC-3'